The following is an entry in ClinVar:

NM_001330574.2(ZNF711):c.321T>A (p.Asp107Glu)

Gene: ZNF711 (ZFX family zinc finger ZNF711; plus strand). Cytogenetic location: Xq21.1.
Variant type: single nucleotide variant.
Coding change: c.321T>A on transcript NM_001330574.2 (MANE Select); coding-DNA position 321, T replaced by A.
Protein change: p.Asp107Glu; replaces aspartic acid 107 with glutamic acid.
Molecular consequence: missense variant.
Genome position (GRCh38, 1-based): chrX:85,255,500, T>A. VCF-style: chrX-85255500-T-A. GRCh37 (hg19) VCF-style: chrX-84510506-T-A.
Other names: c.321T>A, p.Asp107Glu (NM_001375431.1, NM_001375432.1, NM_001375433.1 and 5 more transcripts); short protein forms D107E.
Identifiers: ClinVar variation 1683562 (VCV001683562.2), dbSNP rs1292116347, ClinGen allele CA413775048.
Genomic context (GRCh38, chrX:85,255,500, plus strand): 5'-GATTGTTCCTGAAGCGGTACTTGAAGCTGATGTTGCCATTGAAGAGGATTTAGAGGAAGA[T>A]GATGGTGATCACATCTTGACTTCTGAACTAATTACAGAAACCGTTAGGGTACCAGAGCAG-3'
Protein context (NP_001317503.1, residues 97-117): DVAIEEDLEE[Asp107Glu]DGDHILTSEL

ClinVar aggregate classification (germline): Uncertain significance (1 of 4 stars; one submission).

Conditions:
Intellectual developmental disorder, X-linked 97. Also called: Intellectual disability, X-linked 97. Identifiers: Orphanet 777, MedGen C2749020, MONDO:0010430, OMIM 300803.

Allele frequency attached by ClinVar (database versions not stated): gnomAD exomes below 0.00001.
gnomAD v4.1: 4 of 1,210,045 alleles (0.00033%); highest among the groups gnomAD compares: African/African-American, 0.007%; no homozygotes.

Submission:

Laboratorio de Genetica e Diagnostico Molecular, Hospital Israelita Albert Einstein
Classification: Uncertain significance for Intellectual developmental disorder, X-linked 97. Last evaluated: 2021-10-06. Review status: criteria provided, single submitter. Criteria: ACMG Guidelines, 2015. Collection method: clinical testing. Allele origin: germline. Affected: yes.
Comment: ACMG classification criteria: PM2 moderate, BP4 supporting